The following is an entry in ClinVar:

NM_001204.7(BMPR2):c.529G>A (p.Gly177Arg)

Gene: BMPR2 (bone morphogenetic protein receptor type 2; plus strand). Cytogenetic location: 2q33.2.
Variant type: single nucleotide variant.
Coding change: c.529G>A on transcript NM_001204.7 (MANE Select); coding-DNA position 529, G replaced by A.
Protein change: p.Gly177Arg; replaces glycine 177 with arginine.
Molecular consequence: missense variant.
Genome position (GRCh38, 1-based): chr2:202,513,829, G>A. VCF-style: chr2-202513829-G-A. GRCh37 (hg19) VCF-style: chr2-203378552-G-A.
Other names: short protein forms G177R.
Identifiers: ClinVar variation 811173 (VCV000811173.14), dbSNP rs1574486033, ClinGen allele CA350338494.
Genomic context (GRCh38, chr2:202,513,829, plus strand): 5'-TCAGTCTCTGTATTAGCTGTTTTGATAGTTGCCTTATGCTTTGGATACAGAATGTTGACA[G>A]GTAAAAATTACCATTTTTTGTCCTATTGTTTATTAAACATGCAATTTAATCAATTTATTT-3'
Protein context (NP_001195.2, residues 167-187): ALCFGYRMLT[Gly177Arg]DRKQGLHSMN

ClinVar aggregate classification (germline): Uncertain significance. Review status: criteria provided, multiple submitters, no conflicts (2 of 4 stars). 3 submissions from 3 submitters: Uncertain significance (2). 1 of the submissions does not count toward it. Last evaluated 2021-11-14.

Conditions:
Pulmonary arterial hypertension. Identifiers: Orphanet 182090, MedGen C2973725, MeSH D000081029, MONDO:0015924, HP:0002092.
Idiopathic and/or familial pulmonary arterial hypertension. Identifiers: Orphanet 422, MedGen C5679820, MONDO:0008347.
Pulmonary hypertension, primary, 1 (PPH1). Also called: Pulmonary hypertension, familial primary, 1, with or without HHT. Identifiers: Orphanet 422, MedGen C4552070, MONDO:0024533, OMIM 178600.
Pulmonary venoocclusive disease 1 (PVOD1). Also called: Pulmonary venoocclusive disease 1, autosomal dominant. Identifiers: Orphanet 31837, MedGen C3887658, MONDO:0020713, OMIM 265450.

Submissions (3):

ARUP Laboratories, Molecular Genetics and Genomics, ARUP Laboratories
Classification: Uncertain significance. Last evaluated: 2021-11-14. Review status: criteria provided, single submitter. Criteria: ARUP Molecular Germline Variant Investigation Process 2021. Collection method: clinical testing. Allele origin: germline.
Comment: The BMPR2 c.529G>A; p.Gly177Arg variant (rs1574486033) is reported in the literature in an individual affected with pulmonary arterial hypertension (Zhu 2019). This variant is absent from general population databases (Exome Variant Server, Genome Aggregation Database), indicating it is not a common polymorphism. This variant occurs at the last nucleotide in BMPR2 exon 4, and computational algorithms (Alamut v.2.11) predict that this variant may impact splicing by weakening the nearby canonical donor splice site. However, mRNA studies would be required to confirm an effect on splicing. Given the lack of clinical and functional data, the significance of the c.529G>A; p.Gly177Arg variant is uncertain at this time. References: Zhu N et al. Novel risk genes and mechanisms implicated by exome sequencing of 2572 individuals with pulmonary arterial hypertension. Genome Med. 2019 Nov 14;11(1):69. PMID: 31727138.

Juno Genomics, Hangzhou Juno Genomics, Inc
Classification: Uncertain significance for Pulmonary hypertension, primary, 1; Pulmonary venoocclusive disease 1. Review status: criteria provided, single submitter. Criteria: ACMG Guidelines, 2015. Collection method: clinical testing. Allele origin: germline. Affected: yes.
Comment: Absent from controls (or at extremely low frequency if recessive) in Genome Aggregation Database, Exome Sequencing Project, 1000 Genomes Project, or Exome Aggregation Consortium.;Missense variant in a gene that has a low rate of benign missense variation and where missense variants are a common mechanism of disease.;Multiple lines of computational evidence support a deleterious effect on the gene or gene product (conservation, evolutionary, splicing impact, etc).;Patient's phenotype or family history is highly specific for a disease with a single genetic etiology.

Wendy Chung Laboratory, Boston Children's Hospital
No classification provided. Condition: Idiopathic and/or familial pulmonary arterial hypertension. Review status: no classification provided. Collection method: literature only. Allele origin: germline. Affected: yes. Not counted in ClinVar's aggregate classification.

Literature cited by the submitters: PubMed 31727138 (cited by Wendy Chung Laboratory, Boston Children's Hospital).